The following is an entry in ClinVar:

NM_177438.3(DICER1):c.4535T>C (p.Leu1512Pro)

Gene: DICER1 (dicer 1, ribonuclease III; minus strand). Cytogenetic location: 14q32.13.
Variant type: single nucleotide variant.
Coding change: c.4535T>C on transcript NM_177438.3 (MANE Select); coding-DNA position 4535, T replaced by C.
Protein change: p.Leu1512Pro; replaces leucine 1512 with proline.
Molecular consequence: missense variant. On other transcripts: non-coding transcript variant (6).
Genome position (GRCh38, 1-based): chr14:95,096,385, A>G on the plus strand (T>C on the coding strand, the complement: DICER1 is on the minus strand). VCF-style: chr14-95096385-A-G. GRCh37 (hg19) VCF-style: chr14-95562722-A-G.
Other names: c.4535T>C, p.Leu1512Pro (NM_001195573.1, NM_001271282.3, NM_001291628.2 and 13 more transcripts); c.4253T>C, p.Leu1418Pro (NM_001395686.1); c.4130T>C, p.Leu1377Pro (NM_001395687.1, NM_001395688.1, NM_001395689.1 and 2 more transcripts); c.3968T>C, p.Leu1323Pro (NM_001395691.1); c.2852T>C, p.Leu951Pro (NM_001395697.1); short protein forms L1323P, L1377P, L1418P, L1512P, L951P.
Identifiers: ClinVar variation 1718061 (VCV001718061.6), dbSNP rs2542497709, ClinGen allele CA390867908.

ClinVar aggregate classification (germline): Uncertain significance (1 of 4 stars; one submission).

Conditions:
DICER1-related tumor predisposition. Also called: DICER1 syndrome; DICER1-related pleuropulmonary blastoma cancer predisposition syndrome. Identifiers: Orphanet 284343, MedGen C3839822, MONDO:0100216.

Allele frequency attached by ClinVar (database versions not stated): gnomAD exomes below 0.00001.
gnomAD v4.1: 1 of 1,614,274 alleles (0.000062%); highest among the groups gnomAD compares: Non-Finnish European, 0.000085%; no homozygotes.

Submission:

Labcorp Genetics (formerly Invitae), Labcorp
Classification: Uncertain significance for DICER1-related tumor predisposition. Last evaluated: 2022-08-26. Review status: criteria provided, single submitter. Criteria: Invitae Variant Classification Sherloc (09022015). Collection method: clinical testing. Allele origin: germline.
Comment: This sequence change replaces leucine, which is neutral and non-polar, with proline, which is neutral and non-polar, at codon 1512 of the DICER1 protein (p.Leu1512Pro). In summary, the available evidence is currently insufficient to determine the role of this variant in disease. Therefore, it has been classified as a Variant of Uncertain Significance. Algorithms developed to predict the effect of missense changes on protein structure and function are either unavailable or do not agree on the potential impact of this missense change (SIFT: "Tolerated"; PolyPhen-2: "Probably Damaging"; Align-GVGD: "Class C0"). This variant has not been reported in the literature in individuals affected with DICER1-related conditions. This variant is not present in population databases (gnomAD no frequency).